The following is an entry in ClinVar:

NM_000282.4(PCCA):c.676_677insT (p.Gly226fs)

Gene: PCCA (propionyl-CoA carboxylase subunit alpha; plus strand). Cytogenetic location: 13q32.3.
Variant type: Insertion.
Coding change: c.676_677insT on transcript NM_000282.4 (MANE Select); coding-DNA positions 676 to 677, T inserted.
Protein change: p.Gly226fs; shifts the reading frame from glycine 226.
Molecular consequence: frameshift variant. On other transcripts: non-coding transcript variant (5), intron variant (3).
Genome position: GRCh38 VCF-style: chr13-100257633-G-GT. GRCh37 (hg19) VCF-style: chr13-100909887-G-GT.
Other names: c.598_599insT, p.Gly200fs (NM_001127692.3, NM_001352607.2, NM_001352608.2); c.676_677insT, p.Gly226fs (NM_001178004.2, NM_001352605.2, NM_001352606.2 and 1 more transcripts); c.-229-5096_-229-5095insT (NM_001352610.2, NM_001352611.2, NM_001352612.2); short protein forms G200fs, G226fs.
Identifiers: ClinVar variation 1724293 (VCV001724293.2), dbSNP rs2547899687, ClinGen allele CA2580087038.

ClinVar aggregate classification (germline): Likely pathogenic (1 of 4 stars; one submission).

Conditions:
Propionic acidemia (PROP). Also called: GLYCINEMIA, KETOTIC; HYPERGLYCINEMIA WITH KETOACIDOSIS AND LEUKOPENIA; KETOTIC HYPERGLYCINEMIA. Identifiers: Orphanet 35, MedGen C0268579, MONDO:0011628, OMIM 606054, HP:0003571.

Submission:

Myriad Genetics, Inc.
Classification: Likely pathogenic for Propionic acidemia. Last evaluated: 2022-02-05. Review status: criteria provided, single submitter. Criteria: Myriad Women's Health Autosomal Recessive and X-Linked Classification Criteria (2021). Collection method: clinical testing. Allele origin: unknown.
Comment: NM_000282.3(PCCA):c.676_677insT(G226Vfs*10) is expected to be pathogenic in the context of PCCA-related propionic acidemia. This variant is predicted to lead to an abnormal or absent protein product due to the creation of a premature termination codon in PCCA, a gene where loss-of-function variants are known to be pathogenic. Please note: this variant was assessed in the context of healthy population screening.